The following is an entry in ClinVar:

ClinVar aggregate classification (germline): Uncertain significance. Review status: criteria provided, multiple submitters, no conflicts (2 of 4 stars). 3 submissions from 3 submitters: Uncertain significance (2). 1 of the submissions does not count toward it. Last evaluated 2025-09-07.

Conditions:
Retinal dystrophy. Also called: Inherited retinal dystrophy. Identifiers: Orphanet 71862, MedGen C0854723, MeSH D058499, MONDO:0019118, HP:0000556.

Allele frequency attached by ClinVar (database versions not stated): gnomAD exomes 0.00002 and 0.00004; ExAC 0.00007; ESP Exome Variant Server 0.00015; TOPMed 0.00019; gnomAD 0.00027 and 0.00030; 1000 Genomes Project 30x 0.00031; 1000 Genomes Project 0.00040.
gnomAD v4.1: 74 of 1,614,044 alleles (0.0046%); highest among the groups gnomAD compares: African/African-American, 0.069%; no homozygotes.

Submissions (3):

Labcorp Genetics (formerly Invitae), Labcorp
Classification: Uncertain significance. Last evaluated: 2025-09-07. Review status: criteria provided, single submitter. Criteria: Invitae Variant Classification Sherloc (09022015). Collection method: clinical testing. Allele origin: germline.
Comment: This sequence change replaces methionine, which is neutral and non-polar, with valine, which is neutral and non-polar, at codon 976 of the ADGRA3 protein (p.Met976Val). This variant is present in population databases (rs200785534, gnomAD 0.07%), and has an allele count higher than expected for a pathogenic variant. This variant has not been reported in the literature in individuals affected with ADGRA3-related conditions. ClinVar contains an entry for this variant (Variation ID: 956293). An algorithm developed to predict the effect of missense changes on protein structure and function (PolyPhen-2) suggests that this variant is likely to be tolerated. In summary, the available evidence is currently insufficient to determine the role of this variant in disease. Therefore, it has been classified as a Variant of Uncertain Significance.

Ambry Genetics
Classification: Uncertain significance. Last evaluated: 2024-04-29. Review status: criteria provided, single submitter. Criteria: Ambry Variant Classification Scheme 2023. Collection method: clinical testing. Allele origin: germline.

Institute of Human Genetics, Univ. Regensburg, Univ. Regensburg
Classification: Uncertain significance for Retinal dystrophy. Last evaluated: 2022-01-01. Review status: no assertion criteria provided. Criteria: ACMG Guidelines, 2015. Collection method: clinical testing. Allele origin: germline. Affected: yes. Not counted in ClinVar's aggregate classification.

NM_145290.4(ADGRA3):c.2926A>G (p.Met976Val)

Gene: ADGRA3 (adhesion G protein-coupled receptor A3; minus strand). Cytogenetic location: 4p15.2.
Variant type: single nucleotide variant.
Coding change: c.2926A>G on transcript NM_145290.4 (MANE Select); coding-DNA position 2926, A replaced by G.
Protein change: p.Met976Val; replaces methionine 976 with valine.
Molecular consequence: missense variant.
Genome position (GRCh38, 1-based): chr4:22,388,745, T>C on the plus strand (A>G on the coding strand, the complement: ADGRA3 is on the minus strand). VCF-style: chr4-22388745-T-C. GRCh37 (hg19) VCF-style: chr4-22390368-T-C.
Other names: c.2926A>G (NM_145290.2); short protein forms M976V.
Identifiers: ClinVar variation 956293 (VCV000956293.12), dbSNP rs200785534, ClinGen allele CA2873479.